The following is an entry in ClinVar:

NM_004519.4(KCNQ3):c.2005G>A (p.Ala669Thr)

Gene: KCNQ3 (potassium voltage-gated channel subfamily Q member 3; minus strand). Cytogenetic location: 8q24.22.
Variant type: single nucleotide variant.
Coding change: c.2005G>A on transcript NM_004519.4 (MANE Select); coding-DNA position 2005, G replaced by A.
Protein change: p.Ala669Thr; replaces alanine 669 with threonine.
Molecular consequence: missense variant.
Genome position (GRCh38, 1-based): chr8:132,129,876, C>T on the plus strand (G>A on the coding strand, the complement: KCNQ3 is on the minus strand). VCF-style: chr8-132129876-C-T. GRCh37 (hg19) VCF-style: chr8-133142123-C-T.
Other names: c.1645G>A, p.Ala549Thr (NM_001204824.2); short protein forms A669T, A549T.
Identifiers: ClinVar variation 205982 (VCV000205982.8), dbSNP rs201812160, ClinGen allele CA315630.

ClinVar aggregate classification (germline): Uncertain significance. Review status: criteria provided, multiple submitters, no conflicts (2 of 4 stars). 2 submissions from 2 submitters: Uncertain significance (2). Last evaluated 2025-06-11.

Conditions:
Benign neonatal seizures. Also called: Convulsions benign familial neonatal dominant form; Autosomal dominant form of benign neonatal seizures; Benign familial neonatal seizures; Benign neonatal familial convulsions; Benign familial neonatal epilepsy. Identifiers: Orphanet 1949, MedGen C0220669, MONDO:0016027.

Allele frequency attached by ClinVar (database versions not stated): gnomAD exomes below 0.00001 and 0.00001; ExAC 0.00001; TOPMed 0.00001.
gnomAD v4.1: 4 of 1,614,174 alleles (0.00025%); highest among the groups gnomAD compares: Admixed American, 0.0017%; no homozygotes.

Submissions (2):

Labcorp Genetics (formerly Invitae), Labcorp
Classification: Uncertain significance for Benign neonatal seizures. Last evaluated: 2025-06-11. Review status: criteria provided, single submitter. Criteria: Invitae Variant Classification Sherloc (09022015). Collection method: clinical testing. Allele origin: germline.
Comment: This sequence change replaces alanine, which is neutral and non-polar, with threonine, which is neutral and polar, at codon 669 of the KCNQ3 protein (p.Ala669Thr). This variant is present in population databases (rs201812160, gnomAD 0.006%). This variant has not been reported in the literature in individuals affected with KCNQ3-related conditions. ClinVar contains an entry for this variant (Variation ID: 205982). Invitae Evidence Modeling of protein sequence and biophysical properties (such as structural, functional, and spatial information, amino acid conservation, physicochemical variation, residue mobility, and thermodynamic stability) indicates that this missense variant is not expected to disrupt KCNQ3 protein function with a negative predictive value of 80%. In summary, the available evidence is currently insufficient to determine the role of this variant in disease. Therefore, it has been classified as a Variant of Uncertain Significance.

Blueprint Genetics
Classification: Uncertain significance. Last evaluated: 2021-12-07. Review status: criteria provided, single submitter. Criteria: ACMG Guidelines, 2015. Collection method: clinical testing. Allele origin: germline.